The following is an entry in ClinVar:

NM_000081.4(LYST):c.5419G>A (p.Glu1807Lys)

Gene: LYST (lysosomal trafficking regulator; minus strand). Cytogenetic location: 1q42.3.
Variant type: single nucleotide variant.
Coding change: c.5419G>A on transcript NM_000081.4 (MANE Select); coding-DNA position 5419, G replaced by A.
Protein change: p.Glu1807Lys; replaces glutamic acid 1807 with lysine.
Molecular consequence: missense variant.
Genome position (GRCh38, 1-based): chr1:235,777,104, C>T on the plus strand (G>A on the coding strand, the complement: LYST is on the minus strand). VCF-style: chr1-235777104-C-T. GRCh37 (hg19) VCF-style: chr1-235940404-C-T.
Other names: c.5419G>A, p.Glu1807Lys (NM_001301365.1); short protein forms E1807K.
Identifiers: ClinVar variation 1927967 (VCV001927967.2), dbSNP rs143706691, ClinGen allele CA1466635.
Genomic context (GRCh38, chr1:235,777,104, plus strand): 5'-TATAAGCAGTGATTCTTACCCTGGCAAAGAGAAAAACAAATATGCCAGTTCCACCAATTT[C>T]GTGCAGAATGCCTTGAATAGTTTTATATTCAGTAGGTTGGAGATTCTTTAGATGATGAGG-3'
Protein context (NP_000072.2, residues 1797-1817): EYKTIQGILH[Glu1807Lys]IGGTGIFVFL

ClinVar aggregate classification (germline): Uncertain significance (1 of 4 stars; one submission).

Conditions:
Chédiak-Higashi syndrome (CHS). Also called: Chediak-Higashi Syndrome. Identifiers: Orphanet 167, MedGen C0007965, MONDO:0008963, OMIM 214500.

Allele frequency attached by ClinVar (database versions not stated): ExAC 0.00001; gnomAD 0.00001; gnomAD exomes 0.00001; TOPMed 0.00003; ESP Exome Variant Server 0.00008.
gnomAD v4.1: 11 of 1,613,218 alleles (0.00068%); highest among the groups gnomAD compares: African/African-American, 0.0053%; no homozygotes.

Submission:

Labcorp Genetics (formerly Invitae), Labcorp
Classification: Uncertain significance for Chédiak-Higashi syndrome. Last evaluated: 2022-08-13. Review status: criteria provided, single submitter. Criteria: Invitae Variant Classification Sherloc (09022015). Collection method: clinical testing. Allele origin: germline.
Comment: This sequence change replaces glutamic acid, which is acidic and polar, with lysine, which is basic and polar, at codon 1807 of the LYST protein (p.Glu1807Lys). This variant is present in population databases (rs143706691, gnomAD 0.008%). This variant has not been reported in the literature in individuals affected with LYST-related conditions. Algorithms developed to predict the effect of missense changes on protein structure and function (SIFT, PolyPhen-2, Align-GVGD) all suggest that this variant is likely to be tolerated. In summary, the available evidence is currently insufficient to determine the role of this variant in disease. Therefore, it has been classified as a Variant of Uncertain Significance.